The following is an entry in ClinVar:

NM_000059.4(BRCA2):c.8009del (p.Ser2670fs)

Gene: BRCA2 (BRCA2 DNA repair associated; plus strand). Cytogenetic location: 13q13.1.
Variant type: Deletion.
Coding change: c.8009del on transcript NM_000059.4 (MANE Select); coding-DNA position 8009, one base deleted (C; older notation c.8009delC).
Protein change: p.Ser2670fs; shifts the reading frame from serine 2670.
Molecular consequence: frameshift variant.
Genome position (GRCh38, 1-based): chr13:32,363,211, C deleted. VCF-style (leftmost placement, unchanged base first): chr13-32363210-TC-T. GRCh37 (hg19) VCF-style: chr13-32937347-TC-T.
Other names: 8237delC; c.8009delC (NM_000059.3).
Identifiers: ClinVar variation 232186 (VCV000232186.14), dbSNP rs876659606, ClinGen allele CA10579764.

ClinVar aggregate classification (germline): Pathogenic. Review status: reviewed by expert panel (3 of 4 stars). 4 submissions from 4 submitters: Pathogenic (1). 3 of the submissions do not count toward it. Last evaluated 2016-10-18.

Conditions:
Hereditary cancer-predisposing syndrome. Also called: Hereditary Cancer Syndrome; Neoplastic Syndromes, Hereditary; Tumor predisposition; Hereditary neoplastic syndrome. Identifiers: Orphanet 140162, MedGen C0027672, MeSH D009386, MONDO:0015356.
Breast-ovarian cancer, familial, susceptibility to, 2 (BROVCA2). Also called: BRCA2 Hereditary Breast and Ovarian Cancer. Identifiers: Orphanet 145, MedGen C2675520, MONDO:0012933, OMIM 612555. Disease mechanism: loss of function.
Hereditary breast ovarian cancer syndrome. Also called: Hereditary breast and/or ovarian cancer syndrome; BRCA1- and BRCA2-Associated Hereditary Breast and Ovarian Cancer; Hereditary breast and ovarian cancer syndrome (HBOC); Hereditary breast and ovarian cancer; Hereditary breast and ovarian cancer syndrome; Breast and ovarian cancer. Identifiers: Orphanet 145, MedGen C0677776, MeSH D061325, MONDO:0003582. Disease mechanism: loss of function.

Submissions (4):

Evidence-based Network for the Interpretation of Germline Mutant Alleles (ENIGMA)
Classification: Pathogenic for Breast-ovarian cancer, familial, susceptibility to, 2. Last evaluated: 2016-10-18. Review status: reviewed by expert panel. Criteria: ENIGMA BRCA1/2 Classification Criteria (2015). Collection method: curation. Allele origin: germline.
Comment: Variant allele predicted to encode a truncated non-functional protein.

Labcorp Genetics (formerly Invitae), Labcorp
Classification: Pathogenic for Hereditary breast ovarian cancer syndrome. Last evaluated: 2022-01-05. Review status: criteria provided, single submitter. Criteria: Invitae Variant Classification Sherloc (09022015). Collection method: clinical testing. Allele origin: germline. Not counted in ClinVar's aggregate classification.
Comment: For these reasons, this variant has been classified as Pathogenic. ClinVar contains an entry for this variant (Variation ID: 232186). This premature translational stop signal has been observed in individual(s) with breast and/or ovarian cancer (PMID: 25136594). This variant is not present in population databases (gnomAD no frequency). This sequence change creates a premature translational stop signal (p.Ser2670Trpfs*3) in the BRCA2 gene. It is expected to result in an absent or disrupted protein product. Loss-of-function variants in BRCA2 are known to be pathogenic (PMID: 20104584).

Consortium of Investigators of Modifiers of BRCA1/2 (CIMBA), c/o University of Cambridge
Classification: Pathogenic for Breast-ovarian cancer, familial, susceptibility to, 2. Last evaluated: 2015-10-02. Review status: criteria provided, single submitter. Criteria: CIMBA Mutation Classification guidelines May 2016. Collection method: clinical testing. Allele origin: germline. Not counted in ClinVar's aggregate classification.

Ambry Genetics
Classification: Pathogenic for Hereditary cancer-predisposing syndrome. Last evaluated: 2015-06-04. Review status: criteria provided, single submitter. Criteria: Ambry Variant Classification Scheme 2023. Collection method: clinical testing. Allele origin: germline. Not counted in ClinVar's aggregate classification.
Comment: The c.8009delC pathogenic mutation, located in coding exon 17 of the BRCA2 gene, results from a deletion of one nucleotide at position 8009, causing a translational frameshift with a predicted alternate stop codon. This mutation was identified in a series of patients with familial breast and ovarian cancer (Ruiz A et al, Biomed Res Int 2014 ; 2014():542541). In addition to the clinical data presented in the literature, since premature stop codons are typically deleterious in nature, this alteration is interpreted as a disease-causing mutation (ACMG Recommendations for Standards for Interpretation and Reporting of Sequence Variations. Revision 2007. Genet Med. 2008;10:294).

Literature cited by the submitters: PubMed 25136594 (cited by Labcorp Genetics (formerly Invitae), Labcorp and Ambry Genetics); PubMed 20104584 (cited by Labcorp Genetics (formerly Invitae), Labcorp).